The following is an entry in ClinVar:

NM_033380.3(COL4A5):c.465+8T>G

Gene: COL4A5 (collagen type IV alpha 5 chain; plus strand). Cytogenetic location: Xq22.3.
Variant type: single nucleotide variant.
Coding change: c.465+8T>G on transcript NM_033380.3 (MANE Select); 8 bases into the intron after coding-DNA position 465, T replaced by G.
Molecular consequence: intron variant.
Genome position (GRCh38, 1-based): chrX:108,571,845, T>G. VCF-style: chrX-108571845-T-G. GRCh37 (hg19) VCF-style: chrX-107815075-T-G.
Other names: c.465+8T>G (NM_000495.5).
Identifiers: ClinVar variation 1999100 (VCV001999100.5), dbSNP rs2066070331, ClinGen allele CA2450680253.

ClinVar aggregate classification (germline): Conflicting classifications of pathogenicity. Review status: criteria provided, conflicting classifications (1 of 4 stars). 2 submissions from 2 submitters: Uncertain significance (1); Likely benign (1). Last evaluated 2026-02-25.

Conditions:
X-linked Alport syndrome (ATS1). Also called: COL4A5-Related Nephropathy; NEPHROPATHY AND DEAFNESS, X-LINKED. Identifiers: Orphanet 63, Orphanet 88917, MedGen C4746986, MONDO:0010520, OMIM 301050.

Allele frequency attached by ClinVar (database versions not stated): gnomAD exomes 0.00001.
gnomAD v4.1: 9 of 1,178,399 alleles (0.00076%); highest among the groups gnomAD compares: East Asian, 0.027%; no homozygotes.

Submissions (2):

Myriad Genetics, Inc.
Classification: Uncertain significance for X-linked Alport syndrome. Last evaluated: 2026-02-25. Review status: criteria provided, single submitter. Criteria: Myriad Autosomal Dominant, Autosomal Recessive and X-Linked Classification Criteria (2023). Collection method: clinical testing. Allele origin: unknown.
Comment: NM_000495.4(COL4A5):c.465+8T>G is an intronic variant classified as a variant of uncertain significance in the context of X-linked Alport syndrome. c.465+8T>G has not been observed in cases with relevant disease. Relevant functional assessments of this variant are not available in the literature. c.465+8T>G has not been observed in referenced population frequency databases. In summary, there is insufficient evidence to classify NM_000495.4(COL4A5):c.465+8T>G as pathogenic or benign. Please note: this variant was assessed in the context of healthy population screening.

Labcorp Genetics (formerly Invitae), Labcorp
Classification: Likely benign. Last evaluated: 2022-06-18. Review status: criteria provided, single submitter. Criteria: Invitae Variant Classification Sherloc (09022015). Collection method: clinical testing. Allele origin: germline.